The following is an entry in ClinVar:

NM_001163435.3(TBCK):c.2206G>C (p.Glu736Gln)

Gene: TBCK (TBC1 domain containing kinase; minus strand). Cytogenetic location: 4q24.
Variant type: single nucleotide variant.
Coding change: c.2206G>C on transcript NM_001163435.3 (MANE Select); coding-DNA position 2206, G replaced by C.
Protein change: p.Glu736Gln; replaces glutamic acid 736 with glutamine.
Molecular consequence: missense variant.
Genome position (GRCh38, 1-based): chr4:106,171,124, C>G on the plus strand (G>C on the coding strand, the complement: TBCK is on the minus strand). VCF-style: chr4-106171124-C-G. GRCh37 (hg19) VCF-style: chr4-107092281-C-G.
Other names: c.2206G>C, p.Glu736Gln (NM_001163436.4); c.2089G>C, p.Glu697Gln (NM_001163437.3); c.1690G>C, p.Glu564Gln (NM_001290768.2); c.2017G>C, p.Glu673Gln (NM_033115.5); c.2206G>C (NM_001163435.1); short protein forms E736Q, E673Q, E564Q, E697Q.
Identifiers: ClinVar variation 1500609 (VCV001500609.4), dbSNP rs761673443, ClinGen allele CA3034776.

ClinVar aggregate classification (germline): Uncertain significance. Review status: criteria provided, multiple submitters, no conflicts (2 of 4 stars). 2 submissions from 2 submitters: Uncertain significance (2). Last evaluated 2023-03-23.

Conditions:
Inborn genetic diseases. Identifiers: MedGen C0950123, MeSH D030342.

Allele frequency attached by ClinVar (database versions not stated): ExAC 0.00001; gnomAD exomes 0.00001 and 0.00002; TOPMed 0.00001.
gnomAD v4.1: 7 of 1,611,612 alleles (0.00043%); highest among the groups gnomAD compares: Non-Finnish European, 0.00051%; no homozygotes.

Submissions (2):

Ambry Genetics
Classification: Uncertain significance for Inborn genetic diseases. Last evaluated: 2023-03-23. Review status: criteria provided, single submitter. Criteria: Ambry Variant Classification Scheme 2023. Collection method: clinical testing. Allele origin: germline.

Labcorp Genetics (formerly Invitae), Labcorp
Classification: Uncertain significance. Last evaluated: 2021-08-31. Review status: criteria provided, single submitter. Criteria: Invitae Variant Classification Sherloc (09022015). Collection method: clinical testing. Allele origin: germline.
Comment: This sequence change replaces glutamic acid with glutamine at codon 736 of the TBCK protein (p.Glu736Gln). The glutamic acid residue is moderately conserved and there is a small physicochemical difference between glutamic acid and glutamine. This variant is present in population databases (rs761673443, ExAC 0.002%). This variant has not been reported in the literature in individuals affected with TBCK-related conditions. Algorithms developed to predict the effect of missense changes on protein structure and function (SIFT, PolyPhen-2, Align-GVGD) all suggest that this variant is likely to be tolerated. In summary, the available evidence is currently insufficient to determine the role of this variant in disease. Therefore, it has been classified as a Variant of Uncertain Significance.